The following is an entry in ClinVar:

ClinVar aggregate classification (germline): Likely benign (1 of 4 stars; one submission).

Conditions:
AFF4-related disorder. Also called: AFF4-related condition.

gnomAD v4.1: 1 of 1,614,126 alleles (0.000062%); highest among the groups gnomAD compares: Non-Finnish European, 0.000085%; no homozygotes.

Submission:

PreventionGenetics, part of Exact Sciences
Classification: Likely benign for AFF4-related condition. Last evaluated: 2024-11-19. Review status: criteria provided, single submitter. Criteria: ACMG Guidelines, 2015. Collection method: clinical testing. Allele origin: germline.
Comment: This variant is classified as likely benign based on ACMG/AMP sequence variant interpretation guidelines (Richards et al. 2015 PMID: 25741868, with internal and published modifications).

NM_014423.4(AFF4):c.1947A>T (p.Ser649=)

Gene: AFF4 (ALF transcription elongation factor 4; minus strand). Cytogenetic location: 5q31.1.
Variant type: single nucleotide variant.
Coding change: c.1947A>T on transcript NM_014423.4 (MANE Select); coding-DNA position 1947, A replaced by T.
Protein change: p.Ser649=; no amino-acid change (serine 649 retained).
Molecular consequence: synonymous variant.
Genome position (GRCh38, 1-based): chr5:132,896,683, T>A on the plus strand (A>T on the coding strand, the complement: AFF4 is on the minus strand). VCF-style: chr5-132896683-T-A. GRCh37 (hg19) VCF-style: chr5-132232375-T-A.
Identifiers: ClinVar variation 4984158 (VCV004984158.1).
Genomic context (GRCh38, chr5:132,896,683, plus strand): 5'-GGGGTACTTAGGAGTTTGTGAGGAAGGAGGAAGGCTCTCACTTTCATCTGAATCTGAGGA[T>A]GAGGTATCTGTTTCTATGATTTCCCTTGATTTCTGGGAAGATTTACTTGTTGACTTATAT-3'
Protein context (NP_055238.1, residues 639-659): KSREIIETDT[Ser649=]SSDSDESESL